The following is an entry in ClinVar:

NM_001379500.1(COL18A1):c.676C>T (p.Arg226Cys)

Gene: COL18A1 (collagen type XVIII alpha 1 chain; plus strand). Cytogenetic location: 21q22.3.
Variant type: single nucleotide variant.
Coding change: c.676C>T on transcript NM_001379500.1 (MANE Select); coding-DNA position 676, C replaced by T.
Protein change: p.Arg226Cys; replaces arginine 226 with cysteine.
Molecular consequence: missense variant.
Genome position (GRCh38, 1-based): chr21:45,473,919, C>T. VCF-style: chr21-45473919-C-T. GRCh37 (hg19) VCF-style: chr21-46893833-C-T.
Other names: NM_130445.2:c.676C>T; c.1216C>T, p.Arg406Cys (NM_030582.4); c.1921C>T, p.Arg641Cys (NM_130444.3); short protein forms R406C, R641C, R226C.
Identifiers: ClinVar variation 899192 (VCV000899192.6), dbSNP rs375001641, ClinGen allele CA10065843.
Genomic context (GRCh38, chr21:45,473,919, plus strand): 5'-GGACCGCTGGTGACCCCTTTCTCTGTCTGCATTTAGGGGGTGATCGCTGAGCTGAAGGTG[C>T]GCAGGGACCCCCAGGTGAGCCCCATGCACTGCCTGGACGAGGAAGGCGATGACTCAGATG-3'
Protein context (NP_001366429.1, residues 216-236): FQGVIAELKV[Arg226Cys]RDPQVSPMHC

ClinVar aggregate classification (germline): Uncertain significance. Review status: criteria provided, multiple submitters, no conflicts (2 of 4 stars). 2 submissions from 2 submitters: Uncertain significance (2). Last evaluated 2022-07-06.

Conditions:
Knobloch syndrome (KNO). Also called: RETINAL DETACHMENT AND OCCIPITAL ENCEPHALOCELE; Myopia retinal detachment encephalocele. Identifiers: Orphanet 1571, MedGen C1849409, MONDO:0800166.

Allele frequency attached by ClinVar (database versions not stated): gnomAD exomes 0.00001; TOPMed 0.00001; gnomAD 0.00002; ExAC 0.00004; ESP Exome Variant Server 0.00008.

Submissions (2):

Labcorp Genetics (formerly Invitae), Labcorp
Classification: Uncertain significance. Last evaluated: 2022-07-06. Review status: criteria provided, single submitter. Criteria: Invitae Variant Classification Sherloc (09022015). Collection method: clinical testing. Allele origin: germline.
Comment: This sequence change replaces arginine, which is basic and polar, with cysteine, which is neutral and slightly polar, at codon 226 of the COL18A1 protein (p.Arg226Cys). The frequency data for this variant in the population databases is considered unreliable, as metrics indicate poor data quality at this position in the gnomAD database. This variant has not been reported in the literature in individuals affected with COL18A1-related conditions. ClinVar contains an entry for this variant (Variation ID: 899192). Experimental studies and prediction algorithms are not available or were not evaluated, and the functional significance of this variant is currently unknown. In summary, the available evidence is currently insufficient to determine the role of this variant in disease. Therefore, it has been classified as a Variant of Uncertain Significance.

Illumina Laboratory Services, Illumina
Classification: Uncertain significance for Knobloch syndrome 1. Last evaluated: 2017-04-27. Review status: criteria provided, single submitter. Criteria: ICSL Variant Classification Criteria 13 December 2019. Collection method: clinical testing. Allele origin: germline.